The following is an entry in ClinVar:

NM_177398.4(LMX1A):c.994G>A (p.Glu332Lys)

Gene: LMX1A (LIM homeobox transcription factor 1 alpha; minus strand). Cytogenetic location: 1q23.3.
Variant type: single nucleotide variant.
Coding change: c.994G>A on transcript NM_177398.4 (MANE Select); coding-DNA position 994, G replaced by A.
Protein change: p.Glu332Lys; replaces glutamic acid 332 with lysine.
Molecular consequence: missense variant.
Genome position (GRCh38, 1-based): chr1:165,204,035, C>T on the plus strand (G>A on the coding strand, the complement: LMX1A is on the minus strand). VCF-style: chr1-165204035-C-T. GRCh37 (hg19) VCF-style: chr1-165173272-C-T.
Other names: c.994G>A (NM_001174069.1); c.994G>A, p.Glu332Lys (NM_001174069.2); short protein forms E332K.
Identifiers: ClinVar variation 2525464 (VCV002525464.5), dbSNP rs200583099, ClinGen allele CA1219620.

ClinVar aggregate classification (germline): Conflicting classifications of pathogenicity. Review status: criteria provided, conflicting classifications (1 of 4 stars). 3 submissions from 3 submitters: Uncertain significance (2); Likely benign (1). Last evaluated 2026-06-30.

Conditions:
LMX1A-related disorder. Also called: LMX1A-related condition.

Allele frequency attached by ClinVar (database versions not stated): gnomAD exomes 0.00010; ExAC 0.00012; ESP Exome Variant Server 0.00015; TOPMed 0.00024; 1000 Genomes Project 30x 0.00031; gnomAD 0.00036; 1000 Genomes Project 0.00040.
gnomAD v4.1: 210 of 1,613,924 alleles (0.013%); highest among the groups gnomAD compares: Admixed American, 0.1%; 1 homozygote.

Submissions (3):

PreventionGenetics, part of Exact Sciences
Classification: Likely benign for LMX1A-related condition. Last evaluated: 2026-06-30. Review status: criteria provided, single submitter. Criteria: ACMG Guidelines, 2015. Collection method: clinical testing. Allele origin: germline.
Comment: This variant is classified as likely benign based on ACMG/AMP sequence variant interpretation guidelines (Richards et al. 2015 PMID: 25741868, with internal and published modifications).

Ambry Genetics
Classification: Uncertain significance. Last evaluated: 2025-11-20. Review status: criteria provided, single submitter. Criteria: Ambry Variant Classification Scheme 2023. Collection method: clinical testing. Allele origin: germline.

Blueprint Genetics
Classification: Uncertain significance. Last evaluated: 2023-12-21. Review status: criteria provided, single submitter. Criteria: ACMG Guidelines, 2015. Collection method: clinical testing. Allele origin: germline.